The following is an entry in ClinVar:

ClinVar aggregate classification (germline): Conflicting classifications of pathogenicity. Review status: criteria provided, conflicting classifications (1 of 4 stars). 2 submissions from 2 submitters: Uncertain significance (1); Likely benign (1). Last evaluated 2024-11-11.

Conditions:
Inborn genetic diseases. Identifiers: MedGen C0950123, MeSH D030342.
PKD1L1-related disorder. Also called: PKD1L1-related condition.

Allele frequency attached by ClinVar (database versions not stated): ExAC 0.00002; TOPMed 0.00004.
gnomAD v4.1: 28 of 1,614,210 alleles (0.0017%); highest among the groups gnomAD compares: East Asian, 0.031%; no homozygotes.

Submissions (2):

PreventionGenetics, part of Exact Sciences
Classification: Uncertain significance for PKD1L1-related condition. Last evaluated: 2024-11-11. Review status: criteria provided, single submitter. Criteria: ACMG Guidelines, 2015. Collection method: clinical testing. Allele origin: germline.
Comment: The PKD1L1 c.641C>T variant is predicted to result in the amino acid substitution p.Thr214Met. To our knowledge, this variant has not been reported in the literature. This variant is reported in 0.016% of alleles in individuals of East Asian descent in gnomAD. At this time, the clinical significance of this variant is uncertain due to the absence of conclusive functional and genetic evidence.

Ambry Genetics
Classification: Likely benign for Inborn genetic diseases. Last evaluated: 2023-11-22. Review status: criteria provided, single submitter. Criteria: Ambry Variant Classification Scheme 2023. Collection method: clinical testing. Allele origin: germline.

NM_138295.5(PKD1L1):c.641C>T (p.Thr214Met)

Gene: PKD1L1 (polycystin 1 like 1, transient receptor potential channel interacting; minus strand). Cytogenetic location: 7p12.3.
Variant type: single nucleotide variant.
Coding change: c.641C>T on transcript NM_138295.5 (MANE Select); coding-DNA position 641, C replaced by T.
Protein change: p.Thr214Met; replaces threonine 214 with methionine.
Molecular consequence: missense variant.
Genome position (GRCh38, 1-based): chr7:47,931,200, G>A on the plus strand (C>T on the coding strand, the complement: PKD1L1 is on the minus strand). VCF-style: chr7-47931200-G-A. GRCh37 (hg19) VCF-style: chr7-47970797-G-A.
Other names: short protein forms T214M.
Identifiers: ClinVar variation 3213565 (VCV003213565.2), dbSNP rs758722669, ClinGen allele CA4254288.